The following is an entry in ClinVar:

NM_004360.5(CDH1):c.1075G>A (p.Ala359Thr)

Gene: CDH1 (cadherin 1; plus strand). Cytogenetic location: 16q22.1.
Variant type: single nucleotide variant.
Coding change: c.1075G>A on transcript NM_004360.5 (MANE Select); coding-DNA position 1075, G replaced by A.
Protein change: p.Ala359Thr; replaces alanine 359 with threonine.
Molecular consequence: missense variant. On other transcripts: 5 prime UTR variant (2).
Genome position (GRCh38, 1-based): chr16:68,812,201, G>A. VCF-style: chr16-68812201-G-A. GRCh37 (hg19) VCF-style: chr16-68846104-G-A.
Other names: c.1075G>A, p.Ala359Thr (NM_001317184.2); c.-541G>A (NM_001317185.2); c.-745G>A (NM_001317186.2); short protein forms A359T.
Identifiers: ClinVar variation 1489278 (VCV001489278.8), dbSNP rs2152132614, ClinGen allele CA396460051.

ClinVar aggregate classification (germline): Uncertain significance (1 of 4 stars; one submission).

Conditions:
Hereditary diffuse gastric adenocarcinoma (HDGC). Also called: DIFFUSE GASTRIC AND LOBULAR BREAST CANCER SYNDROME. Identifiers: Orphanet 26106, MedGen C1708349, MONDO:0007648, OMIM 137215.

Submission:

Labcorp Genetics (formerly Invitae), Labcorp
Classification: Uncertain significance for Hereditary diffuse gastric adenocarcinoma. Last evaluated: 2024-03-02. Review status: criteria provided, single submitter. Criteria: Invitae Variant Classification Sherloc (09022015). Collection method: clinical testing. Allele origin: germline.
Comment: This sequence change replaces alanine, which is neutral and non-polar, with threonine, which is neutral and polar, at codon 359 of the CDH1 protein (p.Ala359Thr). This variant is not present in population databases (gnomAD no frequency). This variant has not been reported in the literature in individuals affected with CDH1-related conditions. ClinVar contains an entry for this variant (Variation ID: 1489278). An algorithm developed to predict the effect of missense changes on protein structure and function (PolyPhen-2) suggests that this variant is likely to be disruptive. In summary, the available evidence is currently insufficient to determine the role of this variant in disease. Therefore, it has been classified as a Variant of Uncertain Significance.